The following is an entry in ClinVar:

ClinVar aggregate classification (germline): Benign/Likely benign. Review status: criteria provided, multiple submitters, no conflicts (2 of 4 stars). 4 submissions from 4 submitters: Benign (3); Likely benign (1). Last evaluated 2025-02-16.

Conditions:
Occult macular dystrophy (OCMD). Also called: OCCULT MACULAR DYSTROPHY, SUSCEPTIBILITY TO; OMD. Identifiers: Orphanet 247834, MedGen C3150833, MONDO:0013316, OMIM 613587, HP:0030636.

Allele frequency attached by ClinVar (database versions not stated): gnomAD 0.14443; ESP Exome Variant Server 0.14569; ExAC 0.20331.

Submissions (4):

Laboratory of Genetics, Children's Clinical University Hospital Latvia
Classification: Likely benign. Last evaluated: 2025-02-16. Review status: criteria provided, single submitter. Criteria: ACMG Guidelines, 2015. Collection method: clinical testing. Allele origin: germline. Affected: yes.

GeneDx
Classification: Benign. Last evaluated: 2018-08-16. Review status: criteria provided, single submitter. Criteria: GeneDx Variant Classification Process June 2021. Collection method: clinical testing. Allele origin: germline. Affected: yes.

Illumina Laboratory Services, Illumina
Classification: Benign for Occult macular dystrophy. Last evaluated: 2018-01-13. Review status: criteria provided, single submitter. Criteria: ICSL Variant Classification Criteria 13 December 2019. Collection method: clinical testing. Allele origin: germline.
Comment: This variant was observed in the ICSL laboratory as part of a predisposition screen in an ostensibly healthy population. It had not been previously curated by ICSL or reported in the Human Gene Mutation Database (HGMD: prior to June 1st, 2018), and was therefore a candidate for classification through an automated scoring system. Utilizing variant allele frequency, disease prevalence and penetrance estimates, and inheritance mode, an automated score was calculated to assess if this variant is too frequent to cause the disease. Based on the score and internal cut-off values, a variant classified as benign is not then subjected to further curation. The score for this variant resulted in a classification of benign for this disease.

Breakthrough Genomics
Classification: Benign. Review status: criteria provided, single submitter. Criteria: ACMG Guidelines, 2015. Collection method: not provided. Allele origin: germline. Inheritance: Autosomal recessive inheritance. Affected: yes.

NM_178857.6(RP1L1):c.4004G>T (p.Gly1335Val)

Gene: RP1L1 (RP1 like 1). Cytogenetic location: 8p23.1.
Variant type: single nucleotide variant.
Coding change: c.4004G>T on transcript NM_178857.6 (MANE Select); coding-DNA position 4004, G replaced by T.
Protein change: p.Gly1335Val; replaces glycine 1335 with valine.
Molecular consequence: missense variant.
Genome position (GRCh38, 1-based): chr8:10,610,094, C>A on the plus strand (G>T on the coding strand, the complement: RP1L1 is on the minus strand). VCF-style: chr8-10610094-C-A. GRCh37 (hg19) VCF-style: chr8-10467604-C-A.
Other names: short protein forms G1335V.
Identifiers: ClinVar variation 361293 (VCV000361293.8), dbSNP rs74366179, ClinGen allele CA4624224.
Genomic context (GRCh38, chr8:10,610,094, plus strand): 5'-TGCGCCTCTTCTTCTTGCTGTCCTTCTCCTTCTGTTTCTTTAGTTTCCTCTAACTGCACC[C>A]CCTCTTCTTGCAGCCCTTCTTCTGTTTTAGTTTCCTCTAACTGCACCGCCTCTTCTTGCA-3'
Protein context (NP_849188.4, residues 1325-1345): TKTEEGLQEE[Gly1335Val]VQLEETKETE